The following is an entry in ClinVar:

ClinVar aggregate classification (germline): Uncertain significance (1 of 4 stars; one submission).

Conditions:
Early-infantile DEE. Also called: Early infantile epileptic encephalopathy; Ohtahara syndrome; Early infantile epileptic encephalopathy with suppression bursts. Identifiers: Orphanet 1934, MedGen C0393706, MONDO:0800491.

Allele frequency attached by ClinVar (database versions not stated): ExAC below 0.00001; TOPMed 0.00002; gnomAD exomes 0.00004.
gnomAD v4.1: 6 of 1,570,406 alleles (0.00038%); highest among the groups gnomAD compares: Admixed American, 0.0091%; no homozygotes.

Submission:

Labcorp Genetics (formerly Invitae), Labcorp
Classification: Uncertain significance for Early-infantile DEE. Last evaluated: 2024-11-11. Review status: criteria provided, single submitter. Criteria: Invitae Variant Classification Sherloc (09022015). Collection method: clinical testing. Allele origin: germline.
Comment: This sequence change replaces proline, which is neutral and non-polar, with alanine, which is neutral and non-polar, at codon 708 of the KCNQ2 protein (p.Pro708Ala). This variant is present in population databases (rs767485841, gnomAD 0.03%). This variant has not been reported in the literature in individuals affected with KCNQ2-related conditions. ClinVar contains an entry for this variant (Variation ID: 958346). Invitae Evidence Modeling of protein sequence and biophysical properties (such as structural, functional, and spatial information, amino acid conservation, physicochemical variation, residue mobility, and thermodynamic stability) indicates that this missense variant is expected to disrupt KCNQ2 protein function with a positive predictive value of 95%. In summary, the available evidence is currently insufficient to determine the role of this variant in disease. Therefore, it has been classified as a Variant of Uncertain Significance.

NM_172107.4(KCNQ2):c.2122C>G (p.Pro708Ala)

Gene: KCNQ2 (potassium voltage-gated channel subfamily Q member 2; minus strand). Cytogenetic location: 20q13.33.
Variant type: single nucleotide variant.
Coding change: c.2122C>G on transcript NM_172107.4 (MANE Select); coding-DNA position 2122, C replaced by G.
Protein change: p.Pro708Ala; replaces proline 708 with alanine.
Molecular consequence: missense variant.
Genome position (GRCh38, 1-based): chr20:63,407,141, G>C on the plus strand (C>G on the coding strand, the complement: KCNQ2 is on the minus strand). VCF-style: chr20-63407141-G-C. GRCh37 (hg19) VCF-style: chr20-62038494-G-C.
Other names: c.2176C>G, p.Pro726Ala (NM_001382235.1); c.2038C>G, p.Pro680Ala (NM_004518.6); c.2068C>G, p.Pro690Ala (NM_172106.3); c.2029C>G, p.Pro677Ala (NM_172108.5); short protein forms P726A, P677A, P680A, P690A, P708A.
Identifiers: ClinVar variation 958346 (VCV000958346.12), dbSNP rs767485841, ClinGen allele CA9958142.
Genomic context (GRCh38, chr20:63,407,141, plus strand): 5'-GGCCCTGGCGCGGGTGGCTCTGTGGCTGCCAGGAGGTGGAGGGCGGACACTGGACAGGGG[G>C]CGCGGCCGGGGGCGCCGAGAAGTTCTTCTGGCCCGTGGAGCTGCTGGAGCGCACGATCTT-3'
Protein context (NP_742105.1, residues 698-718): QKNFSAPPAA[Pro708Ala]PVQCPPSTSW